The following is an entry in ClinVar:

ClinVar aggregate classification (germline): Likely benign (1 of 4 stars; one submission).

gnomAD v4.1: 2 of 1,610,902 alleles (0.00012%); highest among the groups gnomAD compares: Admixed American, 0.0017%; no homozygotes.

Submission:

Women's Health and Genetics/Laboratory Corporation of America, LabCorp
Classification: Likely benign. Last evaluated: 2025-01-13. Review status: criteria provided, single submitter. Criteria: LabCorp Variant Classification Summary - May 2015. Collection method: clinical testing. Allele origin: germline.
Comment: Variant summary: ITGA2B c.1110G>T alters a non-conserved nucleotide resulting in a synonymous change. Consensus agreement among computation tools predict no significant impact on normal splicing. However, these predictions have yet to be confirmed by functional studies. The variant was absent in 242070 control chromosomes. The available data on variant occurrences in the general population are insufficient to allow any conclusion about variant significance. To our knowledge, no occurrence of c.1110G>T in individuals affected with ITGA2B-Related Disorders and no experimental evidence demonstrating its impact on protein function have been reported. No submitters have cited clinical-significance assessments for this variant to ClinVar. Based on the evidence outlined above, the variant was classified as likely benign.

NM_000419.5(ITGA2B):c.1110G>T (p.Ala370=)

Gene: ITGA2B (integrin subunit alpha 2b; minus strand). Cytogenetic location: 17q21.31.
Variant type: single nucleotide variant.
Coding change: c.1110G>T on transcript NM_000419.5 (MANE Select); coding-DNA position 1110, G replaced by T.
Protein change: p.Ala370=; no amino-acid change (alanine 370 retained).
Molecular consequence: synonymous variant.
Genome position (GRCh38, 1-based): chr17:44,383,593, C>A on the plus strand (G>T on the coding strand, the complement: ITGA2B is on the minus strand). VCF-style: chr17-44383593-C-A. GRCh37 (hg19) VCF-style: chr17-42460961-C-A.
Identifiers: ClinVar variation 3769152 (VCV003769152.2).